The following is an entry in ClinVar:

ClinVar aggregate classification (germline): Uncertain significance. Review status: criteria provided, multiple submitters, no conflicts (2 of 4 stars). 2 submissions from 2 submitters: Uncertain significance (2). Last evaluated 2025-07-21.

Conditions:
Familial melanoma. Also called: Hereditary melanoma; Hereditary cutaneous melanoma. Identifiers: Orphanet 618, MedGen C1512419, MONDO:0018961.
Hereditary cancer-predisposing syndrome. Also called: Neoplastic Syndromes, Hereditary; Hereditary Cancer Syndrome; Tumor predisposition; Hereditary neoplastic syndrome. Identifiers: Orphanet 140162, MedGen C0027672, MeSH D009386, MONDO:0015356.

Submissions (2):

Labcorp Genetics (formerly Invitae), Labcorp
Classification: Uncertain significance for Familial melanoma. Last evaluated: 2025-07-21. Review status: criteria provided, single submitter. Criteria: Invitae Variant Classification Sherloc (09022015). Collection method: clinical testing. Allele origin: germline.
Comment: The CDKN2A gene encodes two different proteins, p16INK4a and p14ARF, which are translated from alternative transcripts with different open reading frames. Both transcripts have been analyzed. We report either the variant with the higher classification or default to the CDKN2A (p16INK4a) variant. This report therefore includes the details for the CDKN2A (p16INK4a) variant. This sequence change replaces threonine, which is neutral and polar, with arginine, which is basic and polar, at codon 93 of the CDKN2A (p16INK4a) protein (p.Thr93Arg). This variant is not present in population databases (gnomAD no frequency). This variant has not been reported in the literature in individuals affected with CDKN2A (p16INK4a)-related conditions. This variant is also known as c.321C>G (p.His107Gln) in the CDKN2A (p14ARF) transcript. ClinVar contains an entry for this variant (Variation ID: 232366). An algorithm developed to predict the effect of missense changes on protein structure and function (PolyPhen-2) suggests that this variant is likely to be disruptive. In summary, the available evidence is currently insufficient to determine the role of this variant in disease. Therefore, it has been classified as a Variant of Uncertain Significance.

Ambry Genetics
Classification: Uncertain significance for Hereditary cancer-predisposing syndrome. Last evaluated: 2024-11-06. Review status: criteria provided, single submitter. Criteria: Ambry Variant Classification Scheme 2023. Collection method: clinical testing. Allele origin: germline.
Comment: The p.T93R variant (also known as c.278C>G), located in coding exon 2 of the CDKN2A gene, results from a C to G substitution at nucleotide position 278. The threonine at codon 93 is replaced by arginine, an amino acid with similar properties. Of note, this alteration is also known as c.321C>G (p.H107Q)in the p14(ARF) isoform. This amino acid position is highly conserved in available vertebrate species. In addition, the in silico prediction for this alteration is inconclusive. Based on the available evidence, the clinical significance of this variant remains unclear.

NM_000077.5(CDKN2A):c.278C>G (p.Thr93Arg)

Gene: CDKN2A (cyclin dependent kinase inhibitor 2A; minus strand). Cytogenetic location: 9p21.3.
Variant type: single nucleotide variant.
Coding change: c.278C>G on transcript NM_000077.5; coding-DNA position 278, C replaced by G.
Protein change: p.Thr93Arg; replaces threonine 93 with arginine.
Molecular consequence: missense variant (on NM_000077.6). On other transcripts: 3 prime UTR variant (1).
Genome position (GRCh38, 1-based): chr9:21,971,081, G>C on the plus strand (C>G on the coding strand, the complement: CDKN2A is on the minus strand). VCF-style: chr9-21971081-G-C. GRCh37 (hg19) VCF-style: chr9-21971080-G-C.
Other names: c.278C>G, p.Thr93Arg (NM_000077.6, NM_001195132.2); c.125C>G, p.Thr42Arg (NM_001363763.2); c.321C>G, p.His107Gln (NM_058195.4); c.*201C>G (NM_058197.5); short protein forms H107Q, T93R, T42R.
Identifiers: ClinVar variation 232366 (VCV000232366.16), dbSNP rs876659723, ClinGen allele CA10578841.